The following is an entry in ClinVar:

NM_000169.3(GLA):c.1109C>T (p.Ala370Val)

Genes: GLA (galactosidase alpha; minus strand), RPL36A-HNRNPH2 (RPL36A-HNRNPH2 readthrough; plus strand). Cytogenetic location: Xq22.1.
Variant type: single nucleotide variant.
Coding change: c.1109C>T on transcript NM_000169.3 (MANE Select); coding-DNA position 1109, C replaced by T.
Protein change: p.Ala370Val; replaces alanine 370 with valine.
Molecular consequence: missense variant. On other transcripts: non-coding transcript variant (3), intron variant (2).
Genome position (GRCh38, 1-based): chrX:101,397,990, G>A on the plus strand (C>T on the coding strand, the complement: GLA is on the minus strand). VCF-style: chrX-101397990-G-A. GRCh37 (hg19) VCF-style: chrX-100652978-G-A.
Other names: c.1232C>T, p.Ala411Val (NM_001406747.1); c.300+2533G>A (NM_001199973.2); c.177+6168G>A (NM_001199974.2); short protein forms A370V, A411V.
Identifiers: ClinVar variation 1171811 (VCV001171811.6), dbSNP rs2147470905, ClinGen allele CA413920602.

ClinVar aggregate classification (germline): Uncertain significance. Review status: criteria provided, multiple submitters, no conflicts (2 of 4 stars). 2 submissions from 2 submitters: Uncertain significance (2). Last evaluated 2024-03-06.

Conditions:
Fabry disease. Also called: Fabry's disease; ALPHA-GALACTOSIDASE A DEFICIENCY; ANDERSON-FABRY DISEASE; CERAMIDE TRIHEXOSIDASE DEFICIENCY; GLA DEFICIENCY; HEREDITARY DYSTOPIC LIPIDOSIS. Identifiers: Orphanet 324, MedGen C0002986, MONDO:0010526, OMIM 301500, HP:0001071. Disease mechanism: Fabry disease is due to inactivating mutations in the X-linked GLA gene resulting in deficiency of the enzyme Alpha Galactosidase-A., loss of function.

Submissions (2):

Color Diagnostics, LLC DBA Color Health
Classification: Uncertain significance for Fabry disease. Last evaluated: 2024-03-06. Review status: criteria provided, single submitter. Criteria: ACMG Guidelines, 2015. Collection method: clinical testing. Allele origin: germline.
Comment: This missense variant replaces alanine with valine at codon 370 of the GLA protein. Computational prediction suggests that this variant may not impact protein structure and function (internally defined REVEL score threshold <= 0.5, PMID: 27666373). To our knowledge, functional studies have not been reported for this variant. This variant has not been reported in individuals affected with cardiovascular disorders in the literature. This variant has not been identified in the general population by the Genome Aggregation Database (gnomAD). The available evidence is insufficient to determine the role of this variant in disease conclusively. Therefore, this variant is classified as a Variant of Uncertain Significance.

Labcorp Genetics (formerly Invitae), Labcorp
Classification: Uncertain significance for Fabry disease. Last evaluated: 2023-09-28. Review status: criteria provided, single submitter. Criteria: Invitae Variant Classification Sherloc (09022015). Collection method: clinical testing. Allele origin: germline.
Comment: This sequence change replaces alanine, which is neutral and non-polar, with valine, which is neutral and non-polar, at codon 370 of the GLA protein (p.Ala370Val). This variant is not present in population databases (gnomAD no frequency). This variant has not been reported in the literature in individuals affected with GLA-related conditions. ClinVar contains an entry for this variant (Variation ID: 1171811). Advanced modeling of protein sequence and biophysical properties (such as structural, functional, and spatial information, amino acid conservation, physicochemical variation, residue mobility, and thermodynamic stability) performed at Invitae indicates that this missense variant is not expected to disrupt GLA protein function. In summary, the available evidence is currently insufficient to determine the role of this variant in disease. Therefore, it has been classified as a Variant of Uncertain Significance.